The following is an entry in ClinVar:

NM_005655.4(KLF10):c.1007C>G (p.Pro336Arg)

Gene: KLF10 (KLF transcription factor 10; minus strand). Cytogenetic location: 8q22.3.
Variant type: single nucleotide variant.
Coding change: c.1007C>G on transcript NM_005655.4 (MANE Select); coding-DNA position 1007, C replaced by G.
Protein change: p.Pro336Arg; replaces proline 336 with arginine.
Molecular consequence: missense variant.
Genome position (GRCh38, 1-based): chr8:102,651,325, G>C on the plus strand (C>G on the coding strand, the complement: KLF10 is on the minus strand). VCF-style: chr8-102651325-G-C. GRCh37 (hg19) VCF-style: chr8-103663553-G-C.
Other names: c.974C>G, p.Pro325Arg (NM_001032282.4); short protein forms P325R, P336R.
Identifiers: ClinVar variation 3714836 (VCV003714836.2).

ClinVar aggregate classification (germline): Uncertain significance (1 of 4 stars; one submission).

gnomAD v4.1: 4 of 1,598,450 alleles (0.00025%); highest among the groups gnomAD compares: African/African-American, 0.0027%; no homozygotes.

Submission:

Labcorp Genetics (formerly Invitae), Labcorp
Classification: Uncertain significance. Last evaluated: 2025-12-31. Review status: criteria provided, single submitter. Criteria: Invitae Variant Classification Sherloc (09022015). Collection method: clinical testing. Allele origin: germline.
Comment: This sequence change replaces proline, which is neutral and non-polar, with arginine, which is basic and polar, at codon 336 of the KLF10 protein (p.Pro336Arg). This variant is present in population databases (no rsID available, gnomAD 0.01%). This variant has not been reported in the literature in individuals affected with KLF10-related conditions. ClinVar contains an entry for this variant (Variation ID: 3714836). An algorithm developed to predict the effect of missense changes on protein structure and function (PolyPhen-2) suggests that this variant is likely to be disruptive. In summary, the available evidence is currently insufficient to determine the role of this variant in disease. Therefore, it has been classified as a Variant of Uncertain Significance.